The following is an entry in ClinVar:

NM_006005.3(WFS1):c.1511C>T (p.Pro504Leu)

Gene: WFS1 (wolframin ER transmembrane glycoprotein; plus strand). Cytogenetic location: 4p16.1.
Variant type: single nucleotide variant.
Coding change: c.1511C>T on transcript NM_006005.3 (MANE Select); coding-DNA position 1511, C replaced by T.
Protein change: p.Pro504Leu; replaces proline 504 with leucine.
Molecular consequence: missense variant.
Genome position (GRCh38, 1-based): chr4:6,301,306, C>T. VCF-style: chr4-6301306-C-T. GRCh37 (hg19) VCF-style: chr4-6303033-C-T.
Other names: WFS1, PRO504LEU (rs28937892); c.1511C>T, p.Pro504Leu (NM_001145853.1); short protein forms P504L.
Identifiers: ClinVar variation 4512 (VCV000004512.28), dbSNP rs28937892, ClinGen allele CA253190.

ClinVar aggregate classification (germline): Pathogenic/Likely pathogenic. Review status: criteria provided, multiple submitters, no conflicts (2 of 4 stars). 10 submissions from 10 submitters: Pathogenic (8); Likely pathogenic (1). 1 of the submissions does not count toward it. Last evaluated 2026-01-12.

Conditions:
WFS1-related disorder. Identifiers: MedGen CN379391, MONDO:0700293.
Wolfram-like syndrome. Also called: HEARING LOSS, PROGRESSIVE, WITH OPTIC ATROPHY AND/OR IMPAIRED GLUCOSE REGULATION. Identifiers: Orphanet 411590, MedGen C3280358, MONDO:0013673, OMIM 614296.
Wolfram syndrome 1 (WFS1). Identifiers: Orphanet 3463, MedGen C4551693, MONDO:0009101, OMIM 222300.
Type 2 diabetes mellitus. Also called: Type II diabetes mellitus. Identifiers: MedGen C0011860, MeSH D003924, MONDO:0005148, OMIM 125853, HP:0005978.
Autosomal dominant nonsyndromic hearing loss 6 (LFSNHL). Also called: DEAFNESS, AUTOSOMAL DOMINANT 6; Autosomal dominant nonsyndromic deafness 6; DEAFNESS, AUTOSOMAL DOMINANT 14; DEAFNESS, AUTOSOMAL DOMINANT 38. Identifiers: Orphanet 90635, MedGen C1833021, MONDO:0010963, OMIM 600965.
Cataract 41 (CTRCT41). Also called: CATARACT 41, CONGENITAL NUCLEAR TYPE. Identifiers: Orphanet 91492, Orphanet 98991, Orphanet 98992, Orphanet 98995, MedGen C3805412, MONDO:0007287, OMIM 116400.

Allele frequency attached by ClinVar (database versions not stated): ExAC 0.00005; TOPMed 0.00003; gnomAD 0.00001.
gnomAD v4.1: 45 of 1,611,276 alleles (0.0028%); highest among the groups gnomAD compares: Admixed American, 0.0067%; no homozygotes.

Submissions (10):

GeneDx
Classification: Pathogenic. Last evaluated: 2026-01-12. Review status: criteria provided, single submitter. Criteria: GeneDx Variant Classification Process June 2021. Collection method: clinical testing. Allele origin: germline. Affected: yes.
Comment: Reported as heterozygous in two patients with type 1 diabetes (PMID: 31264968); Published functional studies demonstrate that P504L leads to increased degradation of the WFS1 protein (PMID: 16806192); In silico analysis supports that this missense variant has a deleterious effect on protein structure/function; This variant is associated with the following publications: (PMID: 31589614, 15151504, 11161832, 12955714, 9771706, 15605410, 28432734, 36208030, 34746052, 34258273, 24890733, 36147510, 37444722, 15277431, 31264968, 16806192)

3billion
Classification: Likely pathogenic for Wolfram syndrome 1. Last evaluated: 2025-12-18. Review status: criteria provided, single submitter. Criteria: ACMG Guidelines, 2015. Collection method: clinical testing. Allele origin: germline. Affected: yes.
Comment: The variant is observed at an extremely low frequency in the gnomAD v4.1.0 dataset (total allele frequency: 0.003%). Predicted Consequence/Location: Missense variant In silico tool predictions suggest damaging effect of the variant on gene or gene product [REVEL: 0.83 (>=0.6, sensitivity 0.68 and specificity 0.92)]. The same nucleotide change resulting in the same amino acid change has been previously reported as pathogenic/likely pathogenic with strong evidence (ClinVar ID: VCV000004512 /PMID: 9771706). A different missense change at the same codon (p.Pro504Arg) has been reported to be associated with WFS1-related disorder (ClinVar ID: VCV001328269 /PMID: 24890733). Therefore, this variant is classified as Likely pathogenic according to the recommendation of ACMG/AMP guideline.

PreventionGenetics, part of Exact Sciences
Classification: Pathogenic for WFS1-related condition. Last evaluated: 2025-07-14. Review status: criteria provided, single submitter. Criteria: ACMG Guidelines, 2015. Collection method: clinical testing. Allele origin: germline.
Comment: The WFS1 c.1511C>T variant is predicted to result in the amino acid substitution p.Pro504Leu. This variant has been reported in the compound heterozygous state in multiple individuals with Wolfram syndrome (Inoue et al. 1998. PubMed ID: 9771706; Chaussenot et al. 2014. PubMed ID: 24890733) and has also been reported in two individuals with type 1 diabetes (Table S6, Yu et al. 2019. PubMed ID: 31264968). This variant is reported in 0.0085% of alleles in individuals of Latino descent in gnomAD. This variant is interpreted as pathogenic.

Labcorp Genetics (formerly Invitae), Labcorp
Classification: Pathogenic. Last evaluated: 2025-05-07. Review status: criteria provided, single submitter. Criteria: Invitae Variant Classification Sherloc (09022015). Collection method: clinical testing. Allele origin: germline.
Comment: This sequence change replaces proline, which is neutral and non-polar, with leucine, which is neutral and non-polar, at codon 504 of the WFS1 protein (p.Pro504Leu). This variant is present in population databases (rs28937892, gnomAD 0.009%). This missense change has been observed in individuals with autosomal recessive Wolfram syndrome (PMID: 9771706, 15277431, 24890733). It has also been observed to segregate with disease in related individuals. ClinVar contains an entry for this variant (Variation ID: 4512). Invitae Evidence Modeling of protein sequence and biophysical properties (such as structural, functional, and spatial information, amino acid conservation, physicochemical variation, residue mobility, and thermodynamic stability) has been performed for this missense variant. However, the output from this modeling did not meet the statistical confidence thresholds required to predict the impact of this variant on WFS1 protein function. Experimental studies have shown that this missense change affects WFS1 function (PMID: 16806192). For these reasons, this variant has been classified as Pathogenic.

Blueprint Genetics
Classification: Pathogenic for WFS1-related disorders. Last evaluated: 2024-11-18. Review status: criteria provided, single submitter. Criteria: ACMG Guidelines, 2015. Collection method: clinical testing. Allele origin: germline. Affected: yes. Observed: 5 variant alleles.

Women's Health and Genetics/Laboratory Corporation of America, LabCorp
Classification: Pathogenic for Wolfram syndrome 1. Last evaluated: 2023-10-09. Review status: criteria provided, single submitter. Criteria: LabCorp Variant Classification Summary - May 2015. Collection method: clinical testing. Allele origin: germline.
Comment: Variant summary: WFS1 c.1511C>T (p.Pro504Leu) results in a non-conservative amino acid change in the encoded protein sequence. Five of five in-silico tools predict a damaging effect of the variant on protein function. The variant allele was found at a frequency of 3.6e-05 in 249854 control chromosomes (gnomAD and publication data). c.1511C>T has been reported in the literature in multiple individuals affected with Wolfram Syndrome 1 (Inoue_1998, Gmez-Zaera_2001, Astuti_2017). These data indicate that the variant is very likely to be associated with disease. At least one publication reports experimental evidence evaluating an impact on protein function and this variant results in decreasing protein stability (Hofmann_2006) . The following publications have been ascertained in the context of this evaluation (PMID: 28432734, 11161832, 16806192, 9771706). Four submitters have cited clinical-significance assessments for this variant to ClinVar after 2014. All submitters classified the variant as pathogenic (n=3) and likely pathogenic (n=1). Based on the evidence outlined above, the variant was classified as pathogenic.

Fulgent Genetics
Classification: Pathogenic for Cataract 41; Type 2 diabetes mellitus; Wolfram syndrome 1; Autosomal dominant nonsyndromic hearing loss 6; Wolfram-like syndrome. Last evaluated: 2022-04-17. Review status: criteria provided, single submitter. Criteria: ACMG Guidelines, 2015. Collection method: clinical testing. Allele origin: unknown.

Laboratorio de Genetica e Diagnostico Molecular, Hospital Israelita Albert Einstein
Classification: Pathogenic for Wolfram syndrome 1; Wolfram-like syndrome. Last evaluated: 2021-09-28. Review status: criteria provided, single submitter. Criteria: ACMG Guidelines, 2015. Collection method: clinical testing. Allele origin: germline. Affected: yes.
Comment: ACMG classification criteria: PS3 supporting, PS4 moderate, PM2 moderate, PM3 strong, PP1 supporting, PP3 supporting

Clinical Genetics Service, Universitary Hospital 12 de Octubre
Classification: Pathogenic for Wolfram syndrome 1; Autosomal dominant nonsyndromic hearing loss 6. Review status: criteria provided, single submitter. Criteria: ACMG Guidelines, 2015. Collection method: clinical testing. Allele origin: germline. Affected: yes.

OMIM
Classification: Pathogenic for WOLFRAM SYNDROME 1. Last evaluated: 1998-10-01. Review status: no assertion criteria provided. Collection method: literature only. Allele origin: germline. Not counted in ClinVar's aggregate classification.

Literature cited by the submitters: PubMed 9771706 (cited by 4 submitters); PubMed 24890733 (cited by 3billion and Labcorp Genetics (formerly Invitae), Labcorp); PubMed 15277431 (cited by Labcorp Genetics (formerly Invitae), Labcorp); PubMed 16806192 (cited by Labcorp Genetics (formerly Invitae), Labcorp and Women's Health and Genetics/Laboratory Corporation of America, LabCorp); PubMed 28432734 (cited by Women's Health and Genetics/Laboratory Corporation of America, LabCorp); PubMed 11161832 (cited by Women's Health and Genetics/Laboratory Corporation of America, LabCorp).